The following is an entry in ClinVar:

ClinVar aggregate classification (germline): Conflicting classifications of pathogenicity. Review status: criteria provided, conflicting classifications (1 of 4 stars). 6 submissions from 6 submitters: Uncertain significance (5); Likely benign (1). Last evaluated 2024-11-12.

Conditions:
Hereditary cancer-predisposing syndrome. Also called: Hereditary Cancer Syndrome; Neoplastic Syndromes, Hereditary; Hereditary neoplastic syndrome; Tumor predisposition. Identifiers: Orphanet 140162, MedGen C0027672, MeSH D009386, MONDO:0015356.
Hereditary breast ovarian cancer syndrome. Also called: Hereditary breast and ovarian cancer syndrome (HBOC); Breast and ovarian cancer; Hereditary breast and ovarian cancer syndrome; Hereditary breast and ovarian cancer; BRCA1- and BRCA2-Associated Hereditary Breast and Ovarian Cancer; Hereditary breast and/or ovarian cancer syndrome. Identifiers: Orphanet 145, MedGen C0677776, MeSH D061325, MONDO:0003582. Disease mechanism: loss of function.
Breast-ovarian cancer, familial, susceptibility to, 1 (BROVCA1). Also called: BRCA1 Hereditary Breast and Ovarian Cancer; OVARIAN CANCER, SUSCEPTIBILITY TO. Identifiers: Orphanet 145, MedGen C2676676, MONDO:0011450, OMIM 604370. Disease mechanism: loss of function.

Submissions (6):

Labcorp Genetics (formerly Invitae), Labcorp
Classification: Uncertain significance for Hereditary breast ovarian cancer syndrome. Last evaluated: 2024-11-12. Review status: criteria provided, single submitter. Criteria: Invitae Variant Classification Sherloc (09022015). Collection method: clinical testing. Allele origin: germline.
Comment: This sequence change replaces glutamic acid, which is acidic and polar, with glycine, which is neutral and non-polar, at codon 1339 of the BRCA1 protein (p.Glu1339Gly). This variant is not present in population databases (gnomAD no frequency). This variant has not been reported in the literature in individuals affected with BRCA1-related conditions. ClinVar contains an entry for this variant (Variation ID: 265050). Invitae Evidence Modeling of protein sequence and biophysical properties (such as structural, functional, and spatial information, amino acid conservation, physicochemical variation, residue mobility, and thermodynamic stability) indicates that this missense variant is not expected to disrupt BRCA1 protein function with a negative predictive value of 80%. In summary, the available evidence is currently insufficient to determine the role of this variant in disease. Therefore, it has been classified as a Variant of Uncertain Significance.

Women's Health and Genetics/Laboratory Corporation of America, LabCorp
Classification: Uncertain significance. Last evaluated: 2024-07-25. Review status: criteria provided, single submitter. Criteria: LabCorp Variant Classification Summary - May 2015. Collection method: clinical testing. Allele origin: germline.

Ambry Genetics
Classification: Uncertain significance for Hereditary cancer-predisposing syndrome. Last evaluated: 2024-07-24. Review status: criteria provided, single submitter. Criteria: Ambry Variant Classification Scheme 2023. Collection method: clinical testing. Allele origin: germline.
Comment: The p.E1339G variant (also known as c.4016A>G), located in coding exon 9 of the BRCA1 gene, results from an A to G substitution at nucleotide position 4016. The glutamic acid at codon 1339 is replaced by glycine, an amino acid with similar properties. This variant was not reported in population based cohorts in the following databases: Database of Single Nucleotide Polymorphisms (dbSNP), NHLBI Exome Sequencing Project (ESP), and 1000 Genomes Project. In the ESP, this variant was not observed in 6503 samples (13006 alleles) with coverage at this position. To date, this alteration has been detected with an allele frequency of approximately 0.0003% (greater than 300000 alleles tested) in our clinical cohort. This amino acid position is well conserved in available vertebrate species. In addition, the in silico prediction for this alteration is inconclusive. Since supporting evidence is limited at this time, the clinical significance of this alteration remains unclear.

Molecular Pathology, Peter Maccallum Cancer Centre
Classification: Uncertain significance for Breast-ovarian cancer, familial, susceptibility to, 1. Last evaluated: 2024-05-01. Review status: criteria provided, single submitter. Criteria: ACMG Guidelines, 2015. Collection method: clinical testing. Allele origin: germline. Inheritance: Autosomal dominant inheritance.

University of Washington Department of Laboratory Medicine, University of Washington
Classification: Likely benign for Hereditary cancer-predisposing syndrome. Last evaluated: 2023-03-23. Review status: criteria provided, single submitter. Criteria: Dines et al. (Genet Med. 2020). Collection method: curation. Allele origin: germline.
Comment: Missense variant in a coldspot region where missense variants are very unlikely to be pathogenic (PMID:31911673).

BRCA1 coldspot (exon 11 using historical exon numbering). Reclassification based on statistical prior probability

GeneDx
Classification: Uncertain significance. Last evaluated: 2016-03-22. Review status: criteria provided, single submitter. Criteria: GeneDx Variant Classification (06012015). Collection method: clinical testing. Allele origin: germline. Affected: yes.
Comment: This variant is denoted BRCA1 c.4016A>G at the cDNA level, p.Glu1339Gly (E1339G) at the protein level, and results in the change of a Glutamic Acid to a Glycine (GAA>GGA). Using alternate nomenclature, this variant would be defined as BRCA1 4135A>G. This variant has not, to our knowledge, been published in the literature as pathogenic or benign. BRCA1 Glu1339Gly was not observed in approximately 6,500 individuals of European and African American ancestry in the NHLBI Exome Sequencing Project, indicating it is not a common benign variant in these populations. Since Glutamic Acid and Glycine differ in polarity, charge, size or other properties, this is considered a non-conservative amino acid substitution. BRCA1 Glu1339Gly occurs at a position that is not conserved across species and is located within the SCD domain and a region responsible for interaction with multiple proteins (Chen 1998, Paul 2004, Clark 2012). In silico analyses are inconsistent regarding the effect this variant may have on protein structure and function. Based on currently available information, it is unclear whether BRCA1 Glu1339Gly is pathogenic or benign. We consider it to be a variant of uncertain significance.

NM_007294.4(BRCA1):c.4016A>G (p.Glu1339Gly)

Genes: BRCA1 (BRCA1 DNA repair associated; minus strand), LOC126862571 (BRD4-independent group 4 enhancer GRCh37_chr17:41243136-41244335; plus strand). Cytogenetic location: 17q21.31.
Variant type: single nucleotide variant.
Coding change: c.4016A>G on transcript NM_007294.4 (MANE Select); coding-DNA position 4016, A replaced by G.
Protein change: p.Glu1339Gly; replaces glutamic acid 1339 with glycine.
Molecular consequence: missense variant. On other transcripts: intron variant (135).
Genome position (GRCh38, 1-based): chr17:43,091,515, T>C on the plus strand (A>G on the coding strand, the complement: BRCA1 is on the minus strand). VCF-style: chr17-43091515-T-C. GRCh37 (hg19) VCF-style: chr17-41243532-T-C.
Other names: c.3803A>G, p.Glu1268Gly (NM_001407571.1, NM_001407853.1, NM_001407894.1 and 9 more transcripts); c.4016A>G, p.Glu1339Gly (NM_001407581.1, NM_001407582.1, NM_001407602.1 and 30 more transcripts); c.4013A>G, p.Glu1338Gly (NM_001407610.1, NM_001407611.1, NM_001407612.1 and 22 more transcripts); c.4007A>G, p.Glu1336Gly (NM_001407646.1, NM_001407647.1); c.3893A>G, p.Glu1298Gly (NM_001407648.1, NM_001407664.1, NM_001407665.1 and 19 more transcripts); c.3890A>G, p.Glu1297Gly (NM_001407649.1, NM_001407670.1, NM_001407671.1 and 11 more transcripts); c.3938A>G, p.Glu1313Gly (NM_001407653.1, NM_001407654.1, NM_001407655.1 and 4 more transcripts); c.3935A>G, p.Glu1312Gly (NM_001407659.1, NM_001407660.1, NM_001407661.1 and 1 more transcripts); and 41 more; short protein forms E1339G, E1292G, E1269G, E1297G, E1312G, E471G, E1211G, E1251G.
Identifiers: ClinVar variation 265050 (VCV000265050.19), dbSNP rs886039313, ClinGen allele CA10588655.